The following is an entry in ClinVar:

ClinVar aggregate classification (germline): Uncertain significance (0 of 4 stars; one submission).

Conditions:
BCAP31-related disorder. Also called: BCAP31-related condition.

Submission:

PreventionGenetics, part of Exact Sciences
Classification: Uncertain significance for BCAP31-related condition. Last evaluated: 2023-12-22. Review status: no assertion criteria provided. Collection method: clinical testing. Allele origin: germline.
Comment: The BCAP31 c.703G>A variant is predicted to result in the amino acid substitution p.Ala235Thr. To our knowledge, this variant has not been reported in the literature or in a large population database, indicating this variant is rare. At this time, the clinical significance of this variant is uncertain due to the absence of conclusive functional and genetic evidence.

NM_001256447.2(BCAP31):c.703G>A (p.Ala235Thr)

Gene: BCAP31 (B cell receptor associated protein 31; minus strand). Cytogenetic location: Xq28.
Variant type: single nucleotide variant.
Coding change: c.703G>A on transcript NM_001256447.2 (MANE Select); coding-DNA position 703, G replaced by A.
Protein change: p.Ala235Thr; replaces alanine 235 with threonine.
Molecular consequence: missense variant.
Genome position (GRCh38, 1-based): chrX:153,700,975, C>T on the plus strand (G>A on the coding strand, the complement: BCAP31 is on the minus strand). VCF-style: chrX-153700975-C-T. GRCh37 (hg19) VCF-style: chrX-152966430-C-T.
Other names: c.703G>A, p.Ala235Thr (NM_001139441.1, NM_005745.8); c.904G>A, p.Ala302Thr (NM_001139457.2); short protein forms A235T, A302T.
Identifiers: ClinVar variation 3029036 (VCV003029036.2), dbSNP rs2522185013, ClinGen allele CA415093001.